The following is an entry in ClinVar:

NM_003742.4(ABCB11):c.2782C>T (p.Arg928Ter)

Genes: ABCB11 (ATP binding cassette subfamily B member 11; minus strand), LOC126806400 (CDK7 strongly-dependent group 2 enhancer GRCh37_chr2:169791870-169793069; plus strand). Cytogenetic location: 2q31.1.
Variant type: single nucleotide variant.
Coding change: c.2782C>T on transcript NM_003742.4 (MANE Select); coding-DNA position 2782, C replaced by T.
Protein change: p.Arg928Ter; replaces arginine 928 with a stop codon.
Molecular consequence: nonsense.
Genome position (GRCh38, 1-based): chr2:168,936,262, G>A on the plus strand (C>T on the coding strand, the complement: ABCB11 is on the minus strand). VCF-style: chr2-168936262-G-A. GRCh37 (hg19) VCF-style: chr2-169792772-G-A.
Other names: c.2782C>T, p.Arg928Ter (LRG_1199t1); short protein forms R928*.
Identifiers: ClinVar variation 500467 (VCV000500467.19), dbSNP rs756529333, ClinGen allele CA1951195.

ClinVar aggregate classification (germline): Pathogenic. Review status: criteria provided, multiple submitters, no conflicts (2 of 4 stars). 8 submissions from 8 submitters: Pathogenic (7). 1 of the submissions does not count toward it. Last evaluated 2026-04-14.

Conditions:
Benign recurrent intrahepatic cholestasis type 2 (BRIC2). Also called: Recurrent familial intrahepatic cholestasis 2. Identifiers: Orphanet 65682, Orphanet 99961, MedGen C2608083, MONDO:0011559, OMIM 605479.
ABCB11-related disorder. Also called: ABCB11-related condition.
Progressive familial intrahepatic cholestasis type 2. Identifiers: Orphanet 79304, MedGen C3489789, MONDO:0011156, OMIM 601847.
Familial intrahepatic cholestasis. Identifiers: Orphanet 284385, MedGen CN296401, MONDO:0017290.

Allele frequency attached by ClinVar (database versions not stated): gnomAD exomes below 0.00001; ExAC 0.00001; gnomAD 0.00001; TOPMed 0.00003.
gnomAD v4.1: 6 of 1,613,670 alleles (0.00037%); highest among the groups gnomAD compares: African/African-American, 0.004%; no homozygotes.

Submissions (8):

Genomenon, Inc
Classification: Pathogenic for Familial intrahepatic cholestasis. Last evaluated: 2026-04-14. Review status: criteria provided, single submitter. Criteria: Genomenon Sequence Variant Interpretation Standards - Updated. Collection method: curation. Allele origin: germline. Affected: yes.
Comment: ABCB11 p.Arg928Ter (c.2782C>T) is a nonsense variant that introduces a premature stop codon at amino acid position 928, creating a truncated protein that is predicted to undergo nonsense-mediated mRNA decay. This variant has been observed in at least one proband with an ABCB11-related disorder (PMID:37168916;36995996;33450190;26382629;20683201;17241866;24969679). The variant was found to segregate with disease in at least one affected family (PMID:33450190). It is absent or not present at a significant frequency in gnomAD. In conclusion, we classify ABCB11 p.Arg928Ter (c.2782C>T) as a pathogenic variant.

Natera, Inc.
Classification: Pathogenic for Progressive familial intrahepatic cholestasis type 2. Last evaluated: 2025-09-17. Review status: criteria provided, single submitter. Criteria: Natera Variant Classification Schema (03/2026). Collection method: clinical testing. Allele origin: germline.
Comment: The c.2782C>T variant in ABCB11 is a nonsense variant predicted to introduce a stop codon at amino acid 928. This variant is expected to result in nonsense mediated decay, truncation, or a dysfunctional protein product. This variant is rare in the general population with a frequency below the threshold expected for the associated phenotype(s). This variant has been observed in one or more individuals affected with the associated recessive disease, as either homozygous or compound heterozygous with a second variant (PMID: 20683201). Given the available evidence, this variant is classified as Pathogenic.

Neuberg Centre For Genomic Medicine, NCGM
Classification: Pathogenic for Progressive familial intrahepatic cholestasis type 2. Last evaluated: 2024-02-01. Review status: criteria provided, single submitter. Criteria: ACMG Guidelines, 2015. Collection method: clinical testing. Allele origin: germline. Inheritance: Autosomal recessive inheritance.

Baylor Genetics
Classification: Pathogenic for Benign recurrent intrahepatic cholestasis type 2. Last evaluated: 2023-07-15. Review status: criteria provided, single submitter. Criteria: ACMG Guidelines, 2015. Collection method: clinical testing. Allele origin: unknown.

Labcorp Genetics (formerly Invitae), Labcorp
Classification: Pathogenic. Last evaluated: 2023-04-28. Review status: criteria provided, single submitter. Criteria: Invitae Variant Classification Sherloc (09022015). Collection method: clinical testing. Allele origin: germline.
Comment: For these reasons, this variant has been classified as Pathogenic. ClinVar contains an entry for this variant (Variation ID: 500467). This premature translational stop signal has been observed in individual(s) with clinical features of intrahepatic cholestasis (PMID: 17241866, 26382629). This variant is present in population databases (rs756529333, gnomAD 0.007%). This sequence change creates a premature translational stop signal (p.Arg928*) in the ABCB11 gene. It is expected to result in an absent or disrupted protein product. Loss-of-function variants in ABCB11 are known to be pathogenic (PMID: 18395098, 20232290).

Blueprint Genetics
Classification: Pathogenic for ABCB11-related disorders. Last evaluated: 2022-03-18. Review status: criteria provided, single submitter. Criteria: ACMG Guidelines, 2015. Collection method: clinical testing. Allele origin: germline. Affected: yes. Observed: 1 variant allele.

Eurofins Ntd Llc (ga)
Classification: Pathogenic. Last evaluated: 2017-02-23. Review status: criteria provided, single submitter. Criteria: EGL Classification Definitions 2015. Collection method: clinical testing. Allele origin: germline. Observed: 1 variant allele, 1 heterozygote.

PreventionGenetics, part of Exact Sciences
Classification: Pathogenic for ABCB11-related condition. Last evaluated: 2024-08-19. Review status: no assertion criteria provided. Collection method: clinical testing. Allele origin: germline. Not counted in ClinVar's aggregate classification.
Comment: The ABCB11 c.2782C>T variant is predicted to result in premature protein termination (p.Arg928*). This variant has been reported to be causative for autosomal recessive intrahepatic cholestasis (Liu et al. 2007. PubMed ID: 17241866; Li et al. 2015. PubMed ID: 26382629). This variant is reported in 0.0065% of alleles in individuals of African descent in gnomAD. Nonsense variants in ABCB11 are expected to be pathogenic. This variant is interpreted as pathogenic.

Literature cited by the submitters: PubMed 37168916 (cited by Genomenon, Inc); PubMed 36995996 (cited by Genomenon, Inc); PubMed 33450190 (cited by Genomenon, Inc); PubMed 26382629 (cited by Genomenon, Inc and Labcorp Genetics (formerly Invitae), Labcorp); PubMed 20683201 (cited by Genomenon, Inc and Natera, Inc.); PubMed 17241866 (cited by Genomenon, Inc and Labcorp Genetics (formerly Invitae), Labcorp); PubMed 24969679 (cited by Genomenon, Inc); PubMed 18395098 (cited by Labcorp Genetics (formerly Invitae), Labcorp); PubMed 20232290 (cited by Labcorp Genetics (formerly Invitae), Labcorp).